The following is an entry in ClinVar:

NM_016222.4(DDX41):c.1394del (p.Gly465fs)

Gene: DDX41 (DEAD-box helicase 41; minus strand). Cytogenetic location: 5q35.3.
Variant type: Deletion.
Coding change: c.1394del on transcript NM_016222.4 (MANE Select); coding-DNA position 1394, one base deleted (G; older notation c.1394delG).
Protein change: p.Gly465fs; shifts the reading frame from glycine 465.
Molecular consequence: frameshift variant.
Genome position (GRCh38, 1-based): chr5:177,512,785, C deleted on the plus strand (G on the coding strand, the reverse complement: DDX41 is on the minus strand); the first of 5 consecutive C bases (chr5:177,512,785-177,512,789); deleting any one gives the same sequence. VCF-style (leftmost placement, unchanged base first): chr5-177512784-GC-G. GRCh37 (hg19) VCF-style: chr5-176939785-GC-G.
Other names: c.1016del, p.Gly339fs (NM_001321732.2, NM_001321830.2); c.1394delG (NM_016222.2); short protein forms G339fs, G465fs.
Identifiers: ClinVar variation 1338509 (VCV001338509.7), dbSNP rs759501764, ClinGen allele CA3584780.

ClinVar aggregate classification (germline): Pathogenic. Review status: criteria provided, multiple submitters, no conflicts (2 of 4 stars). 4 submissions from 4 submitters: Pathogenic (4). Last evaluated 2025-12-23.

Conditions:
Inborn genetic diseases. Identifiers: MedGen C0950123, MeSH D030342.

Submissions (4):

Labcorp Genetics (formerly Invitae), Labcorp
Classification: Pathogenic. Last evaluated: 2025-12-23. Review status: criteria provided, single submitter. Criteria: Invitae Variant Classification Sherloc (09022015). Collection method: clinical testing. Allele origin: germline.
Comment: This sequence change creates a premature translational stop signal (p.Gly465Alafs*22) in the DDX41 gene. It is expected to result in an absent or disrupted protein product. Loss-of-function variants in DDX41 are known to be pathogenic (PMID: 26712909, 27133828). This variant is present in population databases (rs759501764, gnomAD 0.0009%). This premature translational stop signal has been observed in individual(s) with acute myeloid leukemia (PMID: 35671390). ClinVar contains an entry for this variant (Variation ID: 1338509). For these reasons, this variant has been classified as Pathogenic.

Ambry Genetics
Classification: Pathogenic for Inborn genetic diseases. Last evaluated: 2025-06-25. Review status: criteria provided, single submitter. Criteria: Ambry Variant Classification Scheme 2023. Collection method: clinical testing. Allele origin: germline.
Comment: The c.1394delG pathogenic mutation, located in coding exon 13 of the DDX41 gene, results from a deletion of one nucleotide at nucleotide position 1394, causing a translational frameshift with a predicted alternate stop codon (p.G465Afs*22). This alteration is expected to result in loss of function by premature protein truncation or nonsense-mediated mRNA decay. As such, this alteration is interpreted as a disease-causing mutation.

GeneDx
Classification: Pathogenic. Last evaluated: 2024-05-31. Review status: criteria provided, single submitter. Criteria: GeneDx Variant Classification Process June 2021. Collection method: clinical testing. Allele origin: germline. Affected: yes.
Comment: Frameshift variant predicted to result in protein truncation or nonsense mediated decay in a gene for which loss-of-function is a known mechanism of disease; Not observed at significant frequency in large population cohorts (gnomAD); This variant is associated with the following publications: (PMID: 35671390)

Genetic Services Laboratory, University of Chicago
Classification: Pathogenic. Last evaluated: 2019-04-17. Review status: criteria provided, single submitter. Criteria: ACMG Guidelines, 2015. Collection method: clinical testing. Allele origin: germline. Affected: yes.
Comment: DNA sequence analysis of the DDX41 gene demonstrated a single base pair deletion in exon 13, c.1394del. This sequence change results in an amino acid frameshift and creates a premature stop codon 21 amino acids downstream of the mutation, p.Gly465Alafs*22. This sequence change is predicted to result in an abnormal transcript, which may be degraded, or may lead to the production of a truncated DDX41 protein with potentially abnormal function. Other, truncating variants have been identified in patients with DDX41-related hematologic malignancy predisposition (PMIDs: 25920683, 26712909, 28637623). The p.Gly465Alafs*22 change is present in the heterozygous state in a one individual in the gnomAD population database.

Literature cited by the submitters: PubMed 26712909 (cited by Labcorp Genetics (formerly Invitae), Labcorp); PubMed 27133828 (cited by Labcorp Genetics (formerly Invitae), Labcorp); PubMed 35671390 (cited by Labcorp Genetics (formerly Invitae), Labcorp).